The following is an entry in ClinVar:

ClinVar aggregate classification (germline): Likely benign (1 of 4 stars; one submission).

gnomAD v4.1: 257 of 1,613,902 alleles (0.016%); highest among the groups gnomAD compares: Non-Finnish European, 0.019%; no homozygotes.

Submission:

CeGaT Center for Human Genetics Tuebingen
Classification: Likely benign. Last evaluated: 2026-05-01. Review status: criteria provided, single submitter. Criteria: CeGaT Center For Human Genetics Tuebingen Variant Classification Criteria Version 2. Collection method: clinical testing. Allele origin: germline. Affected: yes. Observed: 1 variant allele.
Comment: SCAF4: BP4

NM_020706.2(SCAF4):c.526G>A (p.Ala176Thr)

Gene: SCAF4 (SR-related CTD associated factor 4; minus strand). Cytogenetic location: 21q22.11.
Variant type: single nucleotide variant.
Coding change: c.526G>A on transcript NM_020706.2 (MANE Select); coding-DNA position 526, G replaced by A.
Protein change: p.Ala176Thr; replaces alanine 176 with threonine.
Molecular consequence: missense variant.
Genome position (GRCh38, 1-based): chr21:31,701,850, C>T on the plus strand (G>A on the coding strand, the complement: SCAF4 is on the minus strand). VCF-style: chr21-31701850-C-T. GRCh37 (hg19) VCF-style: chr21-33074163-C-T.
Other names: c.481G>A, p.Ala161Thr (NM_001145444.1); c.526G>A, p.Ala176Thr (NM_001145445.1); short protein forms A161T, A176T.
Identifiers: ClinVar variation 4872182 (VCV004872182.2).